The following is an entry in ClinVar:

NM_019066.5(MAGEL2):c.2108C>G (p.Ala703Gly)

Gene: MAGEL2 (MAGE family member L2; minus strand). Cytogenetic location: 15q11.2.
Variant type: single nucleotide variant.
Coding change: c.2108C>G on transcript NM_019066.5 (MANE Select); coding-DNA position 2108, C replaced by G.
Protein change: p.Ala703Gly; replaces alanine 703 with glycine.
Molecular consequence: missense variant.
Genome position (GRCh38, 1-based): chr15:23,645,635, G>C on the plus strand (C>G on the coding strand, the complement: MAGEL2 is on the minus strand). VCF-style: chr15-23645635-G-C. GRCh37 (hg19) VCF-style: chr15-23890782-G-C.
Other names: short protein forms A703G.
Identifiers: ClinVar variation 3625365 (VCV003625365.2).

ClinVar aggregate classification (germline): Uncertain significance (1 of 4 stars; one submission).

gnomAD v4.1: 17 of 1,587,458 alleles (0.0011%); highest among the groups gnomAD compares: East Asian, 0.036%; no homozygotes.

Submission:

Labcorp Genetics (formerly Invitae), Labcorp
Classification: Uncertain significance. Last evaluated: 2024-12-24. Review status: criteria provided, single submitter. Criteria: Invitae Variant Classification Sherloc (09022015). Collection method: clinical testing. Allele origin: germline.
Comment: This sequence change replaces alanine, which is neutral and non-polar, with glycine, which is neutral and non-polar, at codon 703 of the MAGEL2 protein (p.Ala703Gly). This variant is present in population databases (rs764650142, gnomAD 0.05%). This variant has not been reported in the literature in individuals affected with MAGEL2-related conditions. Invitae Evidence Modeling of protein sequence and biophysical properties (such as structural, functional, and spatial information, amino acid conservation, physicochemical variation, residue mobility, and thermodynamic stability) indicates that this missense variant is not expected to disrupt MAGEL2 protein function with a negative predictive value of 80%. In summary, the available evidence is currently insufficient to determine the role of this variant in disease. Therefore, it has been classified as a Variant of Uncertain Significance.